The following is an entry in ClinVar:

ClinVar aggregate classification (germline): Uncertain significance (0 of 4 stars; one submission).

Conditions:
Sudden unexplained death. Identifiers: MedGen C0520806.

Allele frequency attached by ClinVar (database versions not stated): gnomAD exomes below 0.00001; ExAC 0.00001.
gnomAD v4.1: 1 of 1,614,172 alleles (0.000062%); highest among the groups gnomAD compares: Non-Finnish European, 0.000085%; no homozygotes.

Submission:

Agnes Ginges Centre for Molecular Cardiology, Centenary Institute
Classification: Uncertain significance for Sudden unexplained death. Last evaluated: 2020-02-24. Review status: no assertion criteria provided. Collection method: research. Allele origin: germline. Inheritance: Autosomal dominant inheritance. Affected: yes.
Comment: This variant has been identified as part of our research program. For further information please feel free to contact us.

NM_198060.4(NRAP):c.3866A>G (p.Glu1289Gly)

Gene: NRAP (nebulin related anchoring protein; minus strand). Cytogenetic location: 10q25.3.
Variant type: single nucleotide variant.
Coding change: c.3866A>G on transcript NM_198060.4 (MANE Select); coding-DNA position 3866, A replaced by G.
Protein change: p.Glu1289Gly; replaces glutamic acid 1289 with glycine.
Molecular consequence: missense variant.
Genome position (GRCh38, 1-based): chr10:113,605,811, T>C on the plus strand (A>G on the coding strand, the complement: NRAP is on the minus strand). VCF-style: chr10-113605811-T-C. GRCh37 (hg19) VCF-style: chr10-115365570-T-C.
Other names: c.3866A>G, p.Glu1289Gly (NM_001261463.2); c.3758A>G, p.Glu1253Gly (NM_001322945.2); c.3761A>G, p.Glu1254Gly (NM_006175.5); short protein forms E1253G, E1254G, E1289G.
Identifiers: ClinVar variation 977178 (VCV000977178.1), dbSNP rs755181817, ClinGen allele CA5694622.
Genomic context (GRCh38, chr10:113,605,811, plus strand): 5'-ATTCAACTCACATCACTGGCTATATCTCCAGAGGCCCGGGCAGCCTGGAAGGGGAGCGCT[T>C]CTATTGTCAGCTTGTAGCCTTGAGCACGAAGATTACGCCAGGACTCTTTGTATCTTGCCT-3'
Protein context (NP_932326.2, residues 1279-1299): LRAQGYKLTI[Glu1289Gly]ALPFQAARAS